The following is an entry in ClinVar:

ClinVar aggregate classification (germline): Conflicting classifications of pathogenicity. Review status: criteria provided, conflicting classifications (1 of 4 stars). 3 submissions from 3 submitters: Pathogenic (1); Likely pathogenic (1); Uncertain significance (1). Last evaluated 2025-06-20.

Conditions:
Peroxisome biogenesis disorder 8A (Zellweger). Also called: Peroxisome biogenesis disorder 8A. Identifiers: Orphanet 912, MedGen C3553959, MONDO:0013942, OMIM 614876.
Peroxisome biogenesis disorder 8B (PBD8B). Identifiers: Orphanet 44, MedGen C3553960, MONDO:0013943, OMIM 614877.
Peroxisome biogenesis disorder. Identifiers: Orphanet 79189, MedGen C1832200, MONDO:0019234. Disease mechanism: loss of function.

Allele frequency attached by ClinVar (database versions not stated): gnomAD exomes below 0.00001.

Submissions (3):

Women's Health and Genetics/Laboratory Corporation of America, LabCorp
Classification: Likely pathogenic for Peroxisome biogenesis disorder. Last evaluated: 2025-06-20. Review status: criteria provided, single submitter. Criteria: LabCorp Variant Classification Summary - May 2015. Collection method: clinical testing. Allele origin: germline.
Comment: Variant summary: PEX16 c.860G>A (p.Arg287His) results in a non-conservative amino acid change in the encoded protein sequence. Algorithms developed to predict the effect of missense changes on protein structure and function are either unavailable or do not agree on the potential impact of this missense change. The variant allele was found at a frequency of 4e-06 in 250190 control chromosomes. c.860G>A has been observed in individuals affected with Peroxisome Biogenesis Disorders, Zellweger Syndrome Spectrum (Chen_2019, Labcorp (formerly Invitae) internal case). These data indicate that the variant may be associated with disease. A different variant affecting the same codon has been classified as pathogenic by our lab (c.859C>T, p.Arg287Cys), supporting the critical relevance of codon 287 to PEX16 protein function. To our knowledge, no experimental evidence demonstrating an impact on protein function has been reported. The following publications have been ascertained in the context of this evaluation (PMID: 31227335). ClinVar contains an entry for this variant (Variation ID: 1917915). Based on the evidence outlined above, the variant was classified as likely pathogenic.

Labcorp Genetics (formerly Invitae), Labcorp
Classification: Pathogenic for Peroxisome biogenesis disorder. Last evaluated: 2023-11-27. Review status: criteria provided, single submitter. Criteria: Invitae Variant Classification Sherloc (09022015). Collection method: clinical testing. Allele origin: germline.
Comment: This sequence change replaces arginine, which is basic and polar, with histidine, which is basic and polar, at codon 287 of the PEX16 protein (p.Arg287His). This variant is present in population databases (no rsID available, gnomAD 0.005%). This missense change has been observed in individuals with clinical features of peroxisome biogenesis disorder (PMID: 31227335; Invitae). It has also been observed to segregate with disease in related individuals. ClinVar contains an entry for this variant (Variation ID: 1917915). Advanced modeling of protein sequence and biophysical properties (such as structural, functional, and spatial information, amino acid conservation, physicochemical variation, residue mobility, and thermodynamic stability) performed at Invitae indicates that this missense variant is expected to disrupt PEX16 protein function with a positive predictive value of 80%. This variant disrupts the p.Arg287 amino acid residue in PEX16. Other variant(s) that disrupt this residue have been determined to be pathogenic (PMID: 30078639; Invitae). This suggests that this residue is clinically significant, and that variants that disrupt this residue are likely to be disease-causing. For these reasons, this variant has been classified as Pathogenic.

Juno Genomics, Hangzhou Juno Genomics, Inc
Classification: Uncertain significance for Peroxisome biogenesis disorder 8A (Zellweger); Peroxisome biogenesis disorder 8B. Review status: criteria provided, single submitter. Criteria: ACMG Guidelines, 2015. Collection method: clinical testing. Allele origin: germline.
Comment: Absent from controls (or at extremely low frequency if recessive) in Genome Aggregation Database.;Multiple lines of computational evidence support a deleterious effect on the gene or gene product.;Co-segregation with disease in multiple affected family members.;Patient's phenotype or family history is highly specific for a disease with a single genetic etiology.;Novel missense change at an amino acid residue where a different missense change determined to be pathogenic has been seen before.

Literature cited by the submitters: PubMed 31227335 (cited by Women's Health and Genetics/Laboratory Corporation of America, LabCorp and Labcorp Genetics (formerly Invitae), Labcorp); PubMed 30078639 (cited by Labcorp Genetics (formerly Invitae), Labcorp).

NM_004813.4(PEX16):c.860G>A (p.Arg287His)

Gene: PEX16 (peroxisomal biogenesis factor 16; minus strand). Cytogenetic location: 11p11.2.
Variant type: single nucleotide variant.
Coding change: c.860G>A on transcript NM_004813.4 (MANE Select); coding-DNA position 860, G replaced by A.
Protein change: p.Arg287His; replaces arginine 287 with histidine.
Molecular consequence: missense variant.
Genome position (GRCh38, 1-based): chr11:45,913,846, C>T on the plus strand (G>A on the coding strand, the complement: PEX16 is on the minus strand). VCF-style: chr11-45913846-C-T. GRCh37 (hg19) VCF-style: chr11-45935397-C-T.
Other names: c.860G>A, p.Arg287His (NM_057174.3); short protein forms R287H.
Identifiers: ClinVar variation 1917915 (VCV001917915.8), dbSNP rs1355804755, ClinGen allele CA380225820.